The following is an entry in ClinVar:

ClinVar aggregate classification (germline): Uncertain significance (1 of 4 stars; one submission).

gnomAD v4.1: 13 of 1,612,510 alleles (0.00081%); highest among the groups gnomAD compares: Admixed American, 0.0017%; no homozygotes.

Submission:

Labcorp Genetics (formerly Invitae), Labcorp
Classification: Uncertain significance. Last evaluated: 2022-11-01. Review status: criteria provided, single submitter. Criteria: Invitae Variant Classification Sherloc (09022015). Collection method: clinical testing. Allele origin: germline.
Comment: In summary, the available evidence is currently insufficient to determine the role of this variant in disease. Therefore, it has been classified as a Variant of Uncertain Significance. Advanced modeling of protein sequence and biophysical properties (such as structural, functional, and spatial information, amino acid conservation, physicochemical variation, residue mobility, and thermodynamic stability) performed at Invitae indicates that this missense variant is not expected to disrupt SLC24A5 protein function. This variant has not been reported in the literature in individuals affected with SLC24A5-related conditions. This variant is present in population databases (rs367783392, gnomAD 0.002%). This sequence change replaces alanine, which is neutral and non-polar, with serine, which is neutral and polar, at codon 391 of the SLC24A5 protein (p.Ala391Ser).

NM_205850.3(SLC24A5):c.1171G>T (p.Ala391Ser)

Genes: MYEF2 (myelin expression factor 2; minus strand), SLC24A5 (solute carrier family 24 member 5; plus strand). Cytogenetic location: 15q21.1.
Variant type: single nucleotide variant.
Coding change: c.1171G>T on transcript NM_205850.3 (MANE Select); coding-DNA position 1171, G replaced by T.
Protein change: p.Ala391Ser; replaces alanine 391 with serine.
Molecular consequence: missense variant. On other transcripts: 3 prime UTR variant (2).
Genome position (GRCh38, 1-based): chr15:48,141,205, G>T. VCF-style: chr15-48141205-G-T. GRCh37 (hg19) VCF-style: chr15-48433402-G-T.
Other names: c.*1703C>A (NM_001301210.2, NM_016132.5); short protein forms A391S.
Identifiers: ClinVar variation 1988910 (VCV001988910.4), dbSNP rs367783392, ClinGen allele CA7546069.